The following is an entry in ClinVar:

NM_014727.3(KMT2B):c.1478C>T (p.Ser493Phe)

Gene: KMT2B (lysine methyltransferase 2B; plus strand). Cytogenetic location: 19q13.12.
Variant type: single nucleotide variant.
Coding change: c.1478C>T on transcript NM_014727.3 (MANE Select); coding-DNA position 1478, C replaced by T.
Protein change: p.Ser493Phe; replaces serine 493 with phenylalanine.
Molecular consequence: missense variant.
Genome position (GRCh38, 1-based): chr19:35,720,825, C>T. VCF-style: chr19-35720825-C-T. GRCh37 (hg19) VCF-style: chr19-36211727-C-T.
Other names: short protein forms S493F.
Identifiers: ClinVar variation 2966624 (VCV002966624.3), dbSNP rs757068223, ClinGen allele CA307782917.
Genomic context (GRCh38, chr19:35,720,825, plus strand): 5'-CCCTGACTCCCAGCCAGCGGGCGGAGCGGGAAGCTGCTCGGGCAGGGCCAGAGGGCACCT[C>T]TCCTCCCACTCCAACCCCCAGCACCGCCACGGGAGGCCCTCCGGAAGACAGTCCCACCGT-3'
Protein context (NP_055542.1, residues 483-503): EAARAGPEGT[Ser493Phe]PPTPTPSTAT

ClinVar aggregate classification (germline): Uncertain significance (1 of 4 stars; one submission).

Allele frequency attached by ClinVar (database versions not stated): gnomAD 0.00001; TOPMed 0.00001.
gnomAD v4.1: 2 of 1,540,514 alleles (0.00013%); highest among the groups gnomAD compares: African/African-American, 0.0027%; no homozygotes.

Submission:

Labcorp Genetics (formerly Invitae), Labcorp
Classification: Uncertain significance. Last evaluated: 2023-12-13. Review status: criteria provided, single submitter. Criteria: Invitae Variant Classification Sherloc (09022015). Collection method: clinical testing. Allele origin: germline.
Comment: This sequence change replaces serine, which is neutral and polar, with phenylalanine, which is neutral and non-polar, at codon 493 of the KMT2B protein (p.Ser493Phe). This variant is not present in population databases (gnomAD no frequency). This variant has not been reported in the literature in individuals affected with KMT2B-related conditions. Advanced modeling of protein sequence and biophysical properties (such as structural, functional, and spatial information, amino acid conservation, physicochemical variation, residue mobility, and thermodynamic stability) performed at Invitae indicates that this missense variant is not expected to disrupt KMT2B protein function with a negative predictive value of 80%. In summary, the available evidence is currently insufficient to determine the role of this variant in disease. Therefore, it has been classified as a Variant of Uncertain Significance.